The following is an entry in ClinVar:

NM_194454.3(KRIT1):c.823A>T (p.Met275Leu)

Gene: KRIT1 (KRIT1 ankyrin repeat containing; minus strand). Cytogenetic location: 7q21.2.
Variant type: single nucleotide variant.
Coding change: c.823A>T on transcript NM_194454.3 (MANE Select); coding-DNA position 823, A replaced by T.
Protein change: p.Met275Leu; replaces methionine 275 with leucine.
Molecular consequence: missense variant.
Genome position (GRCh38, 1-based): chr7:92,234,830, T>A on the plus strand (A>T on the coding strand, the complement: KRIT1 is on the minus strand). VCF-style: chr7-92234830-T-A. GRCh37 (hg19) VCF-style: chr7-91864144-T-A.
Other names: c.823A>T, p.Met275Leu (NM_001350670.1, NM_001350672.1, NM_001350673.1 and 29 more transcripts); c.109A>T, p.Met37Leu (NM_001350671.1); short protein forms M275L, M37L.
Identifiers: ClinVar variation 3643010 (VCV003643010.2).
Genomic context (GRCh38, chr7:92,234,830, plus strand): 5'-TTTTATAAAAGCAATGTGGAGTAAAACCGAAACAGTACTTGTCTTCTGTGACACTGCTCA[T>A]GCTTCTCTGCCATTTTTCCTGTTTAGGTATTTGGATTTTTGAGTAGTCTGGAGCTCCTAG-3'
Protein context (NP_919436.1, residues 265-285): IPKQEKWQRS[Met275Leu]SSVTEDKERQ

ClinVar aggregate classification (germline): Uncertain significance (1 of 4 stars; one submission).

Conditions:
Cerebral cavernous malformation (CCM). Also called: Cerebral cavernous malformations; CAVERNOUS ANGIOMA, FAMILIAL; CAVERNOUS ANGIOMATOUS MALFORMATIONS; Cavernous Hemangioma of Brain; CEREBRAL CAPILLARY MALFORMATIONS; Cerebral cavernous hemangioma (type). Identifiers: Orphanet 221061, MedGen C2919945, MONDO:0000820, OMIM 116860, HP:0033522.

Submission:

Labcorp Genetics (formerly Invitae), Labcorp
Classification: Uncertain significance for Cerebral cavernous malformation. Last evaluated: 2024-06-21. Review status: criteria provided, single submitter. Criteria: Invitae Variant Classification Sherloc (09022015). Collection method: clinical testing. Allele origin: germline.
Comment: This sequence change replaces methionine, which is neutral and non-polar, with leucine, which is neutral and non-polar, at codon 275 of the KRIT1 protein (p.Met275Leu). This variant is not present in population databases (gnomAD no frequency). This variant has not been reported in the literature in individuals affected with KRIT1-related conditions. Advanced modeling of protein sequence and biophysical properties (such as structural, functional, and spatial information, amino acid conservation, physicochemical variation, residue mobility, and thermodynamic stability) performed at Invitae indicates that this missense variant is not expected to disrupt KRIT1 protein function with a negative predictive value of 80%. In summary, the available evidence is currently insufficient to determine the role of this variant in disease. Therefore, it has been classified as a Variant of Uncertain Significance.